The following is an entry in ClinVar:

ClinVar aggregate classification (germline): Uncertain significance (1 of 4 stars; one submission).

Conditions:
Beta-D-mannosidosis (MANSB). Also called: MANNOSIDOSIS, BETA A, LYSOSOMAL; BETA-MANNOSIDASE DEFICIENCY; LYSOSOMAL BETA-MANNOSIDASE DEFICIENCY; Beta-Mannosidosis. Identifiers: Orphanet 118, MedGen C4048196, MONDO:0009562, OMIM 248510.

Allele frequency attached by ClinVar (database versions not stated): gnomAD exomes 0.00001 and below 0.00001.
gnomAD v4.1: 2 of 1,524,978 alleles (0.00013%); highest among the groups gnomAD compares: Admixed American, 0.0017%; no homozygotes.

Submission:

Labcorp Genetics (formerly Invitae), Labcorp
Classification: Uncertain significance for Beta-D-mannosidosis. Last evaluated: 2022-08-23. Review status: criteria provided, single submitter. Criteria: Invitae Variant Classification Sherloc (09022015). Collection method: clinical testing. Allele origin: germline.
Comment: This sequence change falls in intron 8 of the MANBA gene. It does not directly change the encoded amino acid sequence of the MANBA protein. It affects a nucleotide within the consensus splice site. This variant is present in population databases (no rsID available, gnomAD 0.003%). This variant has not been reported in the literature in individuals affected with MANBA-related conditions. ClinVar contains an entry for this variant (Variation ID: 1410003). Variants that disrupt the consensus splice site are a relatively common cause of aberrant splicing (PMID: 17576681, 9536098). Algorithms developed to predict the effect of sequence changes on RNA splicing suggest that this variant is not likely to affect RNA splicing. In summary, the available evidence is currently insufficient to determine the role of this variant in disease. Therefore, it has been classified as a Variant of Uncertain Significance.

Literature cited by the submitters: PubMed 17576681; PubMed 9536098.

NM_005908.4(MANBA):c.1113-3C>T

Gene: MANBA (mannosidase beta; minus strand). Cytogenetic location: 4q24.
Variant type: single nucleotide variant.
Coding change: c.1113-3C>T on transcript NM_005908.4 (MANE Select); 3 bases into the intron before coding-DNA position 1113, C replaced by T.
Molecular consequence: intron variant.
Genome position (GRCh38, 1-based): chr4:102,671,401, G>A on the plus strand (C>T on the coding strand, the complement: MANBA is on the minus strand). VCF-style: chr4-102671401-G-A. GRCh37 (hg19) VCF-style: chr4-103592558-G-A.
Identifiers: ClinVar variation 1410003 (VCV001410003.3), dbSNP rs919183854, ClinGen allele CA102698037.